The following is an entry in ClinVar:

NM_207391.3(RGS9BP):c.519G>A (p.Trp173Ter)

Gene: RGS9BP (regulator of G protein signaling 9 binding protein; plus strand). Cytogenetic location: 19q13.11.
Variant type: single nucleotide variant.
Coding change: c.519G>A on transcript NM_207391.3 (MANE Select); coding-DNA position 519, G replaced by A.
Protein change: p.Trp173Ter; replaces tryptophan 173 with a stop codon.
Molecular consequence: nonsense.
Genome position (GRCh38, 1-based): chr19:32,676,782, G>A. VCF-style: chr19-32676782-G-A. GRCh37 (hg19) VCF-style: chr19-33167688-G-A.
Other names: short protein forms W173*.
Identifiers: ClinVar variation 4850618 (VCV004850618.1).

ClinVar aggregate classification (germline): Likely pathogenic (1 of 4 stars; one submission).

Conditions:
Prolonged electroretinal response suppression 2 (PERRS2). Also called: BRADYOPSIA 2. Identifiers: MedGen C5830452, MONDO:0958190, OMIM 620344.

Submission:

First Genomix Gene Laboratory, Genetic Diagnostics Department
Classification: Likely pathogenic for Prolonged electroretinal response suppression 2. Last evaluated: 2025-12-28. Review status: criteria provided, single submitter. Criteria: ACMG Guidelines, 2015. Collection method: clinical testing. Allele origin: germline. Inheritance: Autosomal recessive inheritance. Affected: no. Observed: 1 variant allele.